The following is an entry in ClinVar:

NM_032805.3(ZSCAN10):c.124G>A (p.Val42Met)

Gene: ZSCAN10 (zinc finger and SCAN domain containing 10; minus strand). Cytogenetic location: 16p13.3.
Variant type: single nucleotide variant.
Coding change: c.124G>A on transcript NM_032805.3 (MANE Select); coding-DNA position 124, G replaced by A.
Protein change: p.Val42Met; replaces valine 42 with methionine.
Molecular consequence: missense variant. On other transcripts: 5 prime UTR variant (2), intron variant (2).
Genome position (GRCh38, 1-based): chr16:3,092,814, C>T on the plus strand (G>A on the coding strand, the complement: ZSCAN10 is on the minus strand). VCF-style: chr16-3092814-C-T. GRCh37 (hg19) VCF-style: chr16-3142815-C-T.
Other names: c.-20G>A (NM_001282416.2, NM_001365272.1); c.-518-986G>A (NM_001365273.1); c.-786-498G>A (NM_001282415.2); short protein forms V42M.
Identifiers: ClinVar variation 4681911 (VCV004681911.5).
Genomic context (GRCh38, chr16:3,092,814, plus strand): 5'-GGGACGCCCGTGGCCCCATGTCCTCCTGATACTGGAAGCATCTGAACAGCTGGTGAGCCA[C>T]CTCGGGCCTCAGCCTGGACTCTGGTCGCCTGGGGTCCTCTGGGCTGACAGCCTCCTCCTC-3'
Protein context (NP_116194.2, residues 32-52): RRPESRLRPE[Val42Met]AHQLFRCFQY

ClinVar aggregate classification (germline): Uncertain significance (1 of 4 stars; one submission).

Submission:

CeGaT Center for Human Genetics Tuebingen
Classification: Uncertain significance. Last evaluated: 2025-12-01. Review status: criteria provided, single submitter. Criteria: CeGaT Center For Human Genetics Tuebingen Variant Classification Criteria Version 2. Collection method: clinical testing. Allele origin: germline. Affected: yes. Observed: 1 variant allele.
Comment: ZSCAN10: PM2